The following is an entry in ClinVar:

NM_138295.5(PKD1L1):c.4893T>C (p.Leu1631=)

Gene: PKD1L1 (polycystin 1 like 1, transient receptor potential channel interacting; minus strand). Cytogenetic location: 7p12.3.
Variant type: single nucleotide variant.
Coding change: c.4893T>C on transcript NM_138295.5 (MANE Select); coding-DNA position 4893, T replaced by C.
Protein change: p.Leu1631=; no amino-acid change (leucine 1631 retained).
Molecular consequence: synonymous variant.
Genome position (GRCh38, 1-based): chr7:47,853,194, A>G on the plus strand (T>C on the coding strand, the complement: PKD1L1 is on the minus strand). VCF-style: chr7-47853194-A-G. GRCh37 (hg19) VCF-style: chr7-47892792-A-G.
Identifiers: ClinVar variation 2657460 (VCV002657460.25), dbSNP rs138237758, ClinGen allele CA4252992.

ClinVar aggregate classification (germline): Likely benign. Review status: criteria provided, multiple submitters, no conflicts (2 of 4 stars). 2 submissions from 2 submitters: Likely benign (2). Last evaluated 2024-09-10.

Allele frequency attached by ClinVar (database versions not stated): TOPMed 0.00025; gnomAD 0.00030; ESP Exome Variant Server 0.00038; gnomAD exomes 0.00039; ExAC 0.00053; 1000 Genomes Project 0.00060; 1000 Genomes Project 30x 0.00062.
gnomAD v4.1: 624 of 1,613,484 alleles (0.039%); highest among the groups gnomAD compares: South Asian, 0.11%; 2 homozygotes.

Submissions (2):

Blueprint Genetics
Classification: Likely benign. Last evaluated: 2024-09-10. Review status: criteria provided, single submitter. Criteria: ACMG Guidelines, 2015. Collection method: clinical testing. Allele origin: germline.

CeGaT Center for Human Genetics Tuebingen
Classification: Likely benign. Last evaluated: 2022-07-01. Review status: criteria provided, single submitter. Criteria: CeGaT Center For Human Genetics Tuebingen Variant Classification Criteria Version 2. Collection method: clinical testing. Allele origin: germline. Affected: yes. Observed: 1 variant allele.
Comment: PKD1L1: BP4, BP7